The following is an entry in ClinVar:

ClinVar aggregate classification (germline): Uncertain significance (1 of 4 stars; one submission).

Conditions:
Familial meningioma. Also called: Meningioma, familial, susceptibility to. Identifiers: Orphanet 263662, MedGen C3551915, MONDO:0011789, OMIM 607174.

gnomAD v4.1: 1 of 1,613,866 alleles (0.000062%); highest among the groups gnomAD compares: Non-Finnish European, 0.000085%; no homozygotes.

Submission:

Labcorp Genetics (formerly Invitae), Labcorp
Classification: Uncertain significance for Familial meningioma. Last evaluated: 2022-04-20. Review status: criteria provided, single submitter. Criteria: Invitae Variant Classification Sherloc (09022015). Collection method: clinical testing. Allele origin: germline.
Comment: This sequence change replaces serine, which is neutral and polar, with threonine, which is neutral and polar, at codon 369 of the SMARCE1 protein (p.Ser369Thr). This variant is not present in population databases (gnomAD no frequency). This variant has not been reported in the literature in individuals affected with SMARCE1-related conditions. Algorithms developed to predict the effect of missense changes on protein structure and function (SIFT, PolyPhen-2, Align-GVGD) all suggest that this variant is likely to be tolerated. In summary, the available evidence is currently insufficient to determine the role of this variant in disease. Therefore, it has been classified as a Variant of Uncertain Significance.

NM_003079.5(SMARCE1):c.1106G>C (p.Ser369Thr)

Gene: SMARCE1 (SWI/SNF related BAF chromatin remodeling complex subunit E1; minus strand). Cytogenetic location: 17q21.2.
Variant type: single nucleotide variant.
Coding change: c.1106G>C on transcript NM_003079.5 (MANE Select); coding-DNA position 1106, G replaced by C.
Protein change: p.Ser369Thr; replaces serine 369 with threonine.
Molecular consequence: missense variant.
Genome position (GRCh38, 1-based): chr17:40,628,915, C>G on the plus strand (G>C on the coding strand, the complement: SMARCE1 is on the minus strand). VCF-style: chr17-40628915-C-G. GRCh37 (hg19) VCF-style: chr17-38785167-C-G.
Other names: short protein forms S369T.
Identifiers: ClinVar variation 2128299 (VCV002128299.4), dbSNP rs2508592706, ClinGen allele CA399361393.